The following is an entry in ClinVar:

ClinVar aggregate classification (germline): Uncertain significance (1 of 4 stars; one submission).

Conditions:
Congenital disorder of deglycosylation (CDDG). Identifiers: MedGen C3808991, MONDO:0031376.

Submission:

Labcorp Genetics (formerly Invitae), Labcorp
Classification: Uncertain significance for Congenital disorder of deglycosylation. Last evaluated: 2020-10-16. Review status: criteria provided, single submitter. Criteria: Invitae Variant Classification Sherloc (09022015). Collection method: clinical testing. Allele origin: germline.
Comment: In summary, the available evidence is currently insufficient to determine the role of this variant in disease. Therefore, it has been classified as a Variant of Uncertain Significance. Algorithms developed to predict the effect of missense changes on protein structure and function are either unavailable or do not agree on the potential impact of this missense change (SIFT: "Deleterious"; PolyPhen-2: "Probably Damaging"; Align-GVGD: "Class C0"). This variant has not been reported in the literature in individuals with NGLY1-related conditions. This variant is not present in population databases (ExAC no frequency). This sequence change replaces serine with phenylalanine at codon 392 of the NGLY1 protein (p.Ser392Phe). The serine residue is moderately conserved and there is a large physicochemical difference between serine and phenylalanine.

NM_018297.4(NGLY1):c.1175C>T (p.Ser392Phe)

Gene: NGLY1 (N-glycanase 1; minus strand). Cytogenetic location: 3p24.2.
Variant type: single nucleotide variant.
Coding change: c.1175C>T on transcript NM_018297.4 (MANE Select); coding-DNA position 1175, C replaced by T.
Protein change: p.Ser392Phe; replaces serine 392 with phenylalanine.
Molecular consequence: missense variant.
Genome position (GRCh38, 1-based): chr3:25,733,957, G>A on the plus strand (C>T on the coding strand, the complement: NGLY1 is on the minus strand). VCF-style: chr3-25733957-G-A. GRCh37 (hg19) VCF-style: chr3-25775448-G-A.
Other names: c.1121C>T, p.Ser374Phe (NM_001145293.2); c.1049C>T, p.Ser350Phe (NM_001145294.2); c.1175C>T, p.Ser392Phe (NM_001145295.2); short protein forms S350F, S374F, S392F.
Identifiers: ClinVar variation 1005431 (VCV001005431.5), dbSNP rs1705686797, ClinGen allele CA351900160.